The following is an entry in ClinVar:

NM_004168.4(SDHA):c.1135C>T (p.Arg379Cys)

Gene: SDHA (succinate dehydrogenase complex flavoprotein subunit A; plus strand). Cytogenetic location: 5p15.33.
Variant type: single nucleotide variant.
Coding change: c.1135C>T on transcript NM_004168.4 (MANE Select); coding-DNA position 1135, C replaced by T.
Protein change: p.Arg379Cys; replaces arginine 379 with cysteine.
Molecular consequence: missense variant.
Genome position (GRCh38, 1-based): chr5:235,214, C>T. VCF-style: chr5-235214-C-T. GRCh37 (hg19) VCF-style: chr5-235329-C-T.
Other names: p.Arg379Cys; c.991C>T, p.Arg331Cys (NM_001294332.2); c.1135C>T, p.Arg379Cys (NM_001330758.2); short protein forms R379C, R331C.
Identifiers: ClinVar variation 230873 (VCV000230873.20), dbSNP rs749309213, ClinGen allele CA3173116.

ClinVar aggregate classification (germline): Uncertain significance. Review status: criteria provided, multiple submitters, no conflicts (2 of 4 stars). 5 submissions from 5 submitters: Uncertain significance (5). Last evaluated 2026-01-19.

Conditions:
Mitochondrial complex II deficiency, nuclear type 1. Also called: SUCCINATE CoQ REDUCTASE DEFICIENCY. Identifiers: Orphanet 3208, MedGen C5700310, MONDO:0100294, OMIM 252011.
Pheochromocytoma/paraganglioma syndrome 5. Also called: Paragangliomas 5; SDHA-Related Hereditary Paraganglioma-Pheochromocytoma Syndrome. Identifiers: Orphanet 29072, MedGen C3279992, MONDO:0013602, OMIM 614165.
Hereditary cancer-predisposing syndrome. Also called: Hereditary Cancer Syndrome; Hereditary neoplastic syndrome; Neoplastic Syndromes, Hereditary; Tumor predisposition. Identifiers: Orphanet 140162, MedGen C0027672, MeSH D009386, MONDO:0015356.
Dilated cardiomyopathy 1GG (CMD1GG). Identifiers: Orphanet 154, MedGen C3150898, MONDO:0013339, OMIM 613642.

Allele frequency attached by ClinVar (database versions not stated): gnomAD 0.00001 and 0.00002; ExAC 0.00002; gnomAD exomes 0.00002 and 0.00005; TOPMed 0.00002.

Submissions (5):

Labcorp Genetics (formerly Invitae), Labcorp
Classification: Uncertain significance for Pheochromocytoma/paraganglioma syndrome 5; Mitochondrial complex II deficiency, nuclear type 1. Last evaluated: 2026-01-19. Review status: criteria provided, single submitter. Criteria: Invitae Variant Classification Sherloc (09022015). Collection method: clinical testing. Allele origin: germline.
Comment: This sequence change replaces arginine, which is basic and polar, with cysteine, which is neutral and slightly polar, at codon 379 of the SDHA protein (p.Arg379Cys). This variant is present in population databases (rs749309213, gnomAD 0.007%). This variant has not been reported in the literature in individuals affected with SDHA-related conditions. ClinVar contains an entry for this variant (Variation ID: 230873). Invitae Evidence Modeling of protein sequence and biophysical properties (such as structural, functional, and spatial information, amino acid conservation, physicochemical variation, residue mobility, and thermodynamic stability) has been performed for this missense variant. However, the output from this modeling did not meet the statistical confidence thresholds required to predict the impact of this variant on SDHA protein function. RNA analysis performed to evaluate the impact of this missense change on mRNA splicing indicates it does not significantly alter splicing (internal data). In summary, the available evidence is currently insufficient to determine the role of this variant in disease. Therefore, it has been classified as a Variant of Uncertain Significance.

Ambry Genetics
Classification: Uncertain significance for Hereditary cancer-predisposing syndrome. Last evaluated: 2025-06-25. Review status: criteria provided, single submitter. Criteria: Ambry Variant Classification Scheme 2023. Collection method: clinical testing. Allele origin: germline.
Comment: The p.R379C variant (also known as c.1135C>T), located in coding exon 9 of the SDHA gene, results from a C to T substitution at nucleotide position 1135. The arginine at codon 379 is replaced by cysteine, an amino acid with highly dissimilar properties. This alteration was identified in an individual diagnosed with a pheochromocytoma (Ma X et al. Front Endocrinol (Lausanne), 2020 Dec;11:574662). This amino acid position is highly conserved in available vertebrate species. In addition, this alteration is predicted to be deleterious by in silico analysis. Based on the available evidence, the clinical significance of this variant remains unclear.

Baylor Genetics
Classification: Uncertain significance for Dilated cardiomyopathy 1GG. Last evaluated: 2024-01-11. Review status: criteria provided, single submitter. Criteria: ACMG Guidelines, 2015. Collection method: clinical testing. Allele origin: unknown.

Mayo Clinic Laboratories, Mayo Clinic
Classification: Uncertain significance. Last evaluated: 2023-08-16. Review status: criteria provided, single submitter. Criteria: ACMG Guidelines, 2015. Collection method: clinical testing. Allele origin: germline. Observed: 2 variant alleles.
Comment: PP3, PM2_moderate

Center for Pediatric Genomic Medicine, Children's Mercy Hospital and Clinics
Classification: Uncertain significance. Last evaluated: 2017-05-11. Review status: criteria provided, single submitter. Criteria: ACMG Guidelines, 2015. Collection method: clinical testing. Allele origin: germline.

Literature cited by the submitters: PubMed 25412673 (cited by Ambry Genetics); PubMed 33362715 (cited by Ambry Genetics and Mayo Clinic Laboratories, Mayo Clinic).